The following is an entry in ClinVar:

NM_031296.3(RAB33B):c.145C>G (p.Leu49Val)

Gene: RAB33B (RAB33B, member RAS oncogene family; plus strand). Cytogenetic location: 4q31.1.
Variant type: single nucleotide variant.
Coding change: c.145C>G on transcript NM_031296.3 (MANE Select); coding-DNA position 145, C replaced by G.
Protein change: p.Leu49Val; replaces leucine 49 with valine.
Molecular consequence: missense variant.
Genome position (GRCh38, 1-based): chr4:139,454,340, C>G. VCF-style: chr4-139454340-C-G. GRCh37 (hg19) VCF-style: chr4-140375494-C-G.
Other names: c.145C>G (NM_031296.1); short protein forms L49V.
Identifiers: ClinVar variation 1418386 (VCV001418386.6), dbSNP rs753943143, ClinGen allele CA3083949.

ClinVar aggregate classification (germline): Uncertain significance. Review status: criteria provided, multiple submitters, no conflicts (2 of 4 stars). 2 submissions from 2 submitters: Uncertain significance (2). Last evaluated 2025-04-25.

Conditions:
Inborn genetic diseases. Identifiers: MedGen C0950123, MeSH D030342.

Allele frequency attached by ClinVar (database versions not stated): gnomAD 0.00006 and 0.00005; TOPMed 0.00008; gnomAD exomes 0.00006 and 0.00009; ExAC 0.00008.
gnomAD v4.1: 133 of 1,614,038 alleles (0.0082%); highest among the groups gnomAD compares: Admixed American, 0.012%; no homozygotes.

Submissions (2):

Ambry Genetics
Classification: Uncertain significance for Inborn genetic diseases. Last evaluated: 2025-04-25. Review status: criteria provided, single submitter. Criteria: Ambry Variant Classification Scheme 2023. Collection method: clinical testing. Allele origin: germline.

Labcorp Genetics (formerly Invitae), Labcorp
Classification: Uncertain significance. Last evaluated: 2025-01-27. Review status: criteria provided, single submitter. Criteria: Invitae Variant Classification Sherloc (09022015). Collection method: clinical testing. Allele origin: germline.
Comment: This sequence change replaces leucine, which is neutral and non-polar, with valine, which is neutral and non-polar, at codon 49 of the RAB33B protein (p.Leu49Val). This variant is present in population databases (rs753943143, gnomAD 0.01%). This variant has not been reported in the literature in individuals affected with RAB33B-related conditions. ClinVar contains an entry for this variant (Variation ID: 1418386). An algorithm developed to predict the effect of missense changes on protein structure and function (PolyPhen-2) suggests that this variant is likely to be disruptive. In summary, the available evidence is currently insufficient to determine the role of this variant in disease. Therefore, it has been classified as a Variant of Uncertain Significance.